The following is an entry in ClinVar:

NM_000543.5(SMPD1):c.1253G>A (p.Arg418Gln)

Gene: SMPD1 (sphingomyelin phosphodiesterase 1; plus strand). Cytogenetic location: 11p15.4.
Variant type: single nucleotide variant.
Coding change: c.1253G>A on transcript NM_000543.5 (MANE Select); coding-DNA position 1253, G replaced by A.
Protein change: p.Arg418Gln; replaces arginine 418 with glutamine.
Molecular consequence: missense variant. On other transcripts: non-coding transcript variant (1), intron variant (1).
Genome position (GRCh38, 1-based): chr11:6,393,377, G>A. VCF-style: chr11-6393377-G-A. GRCh37 (hg19) VCF-style: chr11-6414607-G-A.
Other names: c.1250G>A, p.Arg417Gln (NM_001007593.3); c.1253G>A, p.Arg418Gln (NM_001318087.2); c.332G>A, p.Arg111Gln (NM_001318088.2); c.1132-240G>A (NM_001365135.2); short protein forms R111Q, R417Q, R418Q.
Identifiers: ClinVar variation 1594805 (VCV001594805.13), dbSNP rs767722360, ClinGen allele CA5852825.

ClinVar aggregate classification (germline): Conflicting classifications of pathogenicity. Review status: criteria provided, conflicting classifications (1 of 4 stars). 4 submissions from 4 submitters: Uncertain significance (3); Likely benign (1). Last evaluated 2025-12-06.

Conditions:
SMPD1-related disorder. Also called: SMPD1-related condition.
Niemann-Pick disease, type A. Also called: SPHINGOMYELIN LIPIDOSIS; SPHINGOMYELINASE DEFICIENCY; Infantile Neurovisceral ASMD (Niemann-Pick Disease Type A; NPD-A). Identifiers: Orphanet 77292, MedGen C0268242, MONDO:0009756, OMIM 257200. Disease mechanism: loss of function.
Niemann-Pick disease, type B. Also called: Chronic Visceral ASMD (Niemann-Pick Disease Type B; NPD-B). Identifiers: Orphanet 77293, MedGen C0268243, MONDO:0011871, OMIM 607616. Disease mechanism: loss of function.

Allele frequency attached by ClinVar (database versions not stated): gnomAD exomes 0.00006 and 0.00007; gnomAD 0.00007 and 0.00008; TOPMed 0.00008; ExAC 0.00009.

Submissions (4):

Labcorp Genetics (formerly Invitae), Labcorp
Classification: Likely benign for Niemann-Pick disease, type B; Niemann-Pick disease, type A. Last evaluated: 2025-12-06. Review status: criteria provided, single submitter. Criteria: Invitae Variant Classification Sherloc (09022015). Collection method: clinical testing. Allele origin: germline.

PreventionGenetics, part of Exact Sciences
Classification: Uncertain significance for SMPD1-related condition. Last evaluated: 2025-01-26. Review status: criteria provided, single submitter. Criteria: ACMG Guidelines, 2015. Collection method: clinical testing. Allele origin: germline.
Comment: The SMPD1 c.1253G>A variant is predicted to result in the amino acid substitution p.Arg418Gln. This variant has been reported in a cohort of patients with Parkinson’s disease (Supplementary Table 3 in Robak et al. 2017. PubMed ID: 29140481) and found in 2 controls in an association between lysosomal storage disorder genes and Parkinson's disease (Table S3, Zhao et al. 2021. PubMed ID: 34867278). This variant is reported in 0.012% of alleles in individuals of European (Non-Finnish) descent in gnomAD. At this time, the clinical significance of this variant is uncertain due to the absence of conclusive functional and genetic evidence.

Women's Health and Genetics/Laboratory Corporation of America, LabCorp
Classification: Uncertain significance. Last evaluated: 2022-03-13. Review status: criteria provided, single submitter. Criteria: LabCorp Variant Classification Summary - May 2015. Collection method: clinical testing. Allele origin: germline.
Comment: Variant summary: SMPD1 c.1253G>A (p.Arg418Gln) results in a conservative amino acid change in the encoded protein sequence. Four of five in-silico tools predict a benign effect of the variant on protein function. The variant allele was found at a frequency of 6e-05 in 248074 control chromosomes. This frequency is not significantly higher than expected for a pathogenic variant in SMPD1 causing Niemann-Pick Disease (6e-05 vs 0.0022), allowing no conclusion about variant significance. c.1253G>A has been reported in the literature as a non-informative genotype (second allele not reported/specified) among cohorts of patients with Parkinson Disease (example, Robak_2017, Alcalay_2019). These report(s) do not provide unequivocal conclusions about association of the variant with Niemann-Pick Disease. To our knowledge, no experimental evidence demonstrating an impact on protein function has been reported. No clinical diagnostic laboratories have submitted clinical-significance assessments for this variant to ClinVar after 2014. Based on the evidence outlined above, the variant was classified as uncertain significance.

Revvity Omics, Revvity
Classification: Uncertain significance. Last evaluated: 2021-02-18. Review status: criteria provided, single submitter. Criteria: ACMG Guidelines, 2015. Collection method: clinical testing. Allele origin: germline.

Literature cited by the submitters: PubMed 30788890 (cited by Women's Health and Genetics/Laboratory Corporation of America, LabCorp); PubMed 29140481 (cited by Women's Health and Genetics/Laboratory Corporation of America, LabCorp).